The following is an entry in ClinVar:

NM_020778.5(ALPK3):c.640C>A (p.Arg214Ser)

Gene: ALPK3 (alpha kinase 3; plus strand). Cytogenetic location: 15q25.3.
Variant type: single nucleotide variant.
Coding change: c.640C>A on transcript NM_020778.5 (MANE Select); coding-DNA position 640, C replaced by A.
Protein change: p.Arg214Ser; replaces arginine 214 with serine.
Molecular consequence: missense variant.
Genome position (GRCh38, 1-based): chr15:84,839,919, C>A. VCF-style: chr15-84839919-C-A. GRCh37 (hg19) VCF-style: chr15-85383150-C-A.
Other names: short protein forms R214S.
Identifiers: ClinVar variation 3004907 (VCV003004907.3), dbSNP rs1963638428, ClinGen allele CA393373202.

ClinVar aggregate classification (germline): Uncertain significance (1 of 4 stars; one submission).

Allele frequency attached by ClinVar (database versions not stated): TOPMed below 0.00001.

Submission:

Labcorp Genetics (formerly Invitae), Labcorp
Classification: Uncertain significance. Last evaluated: 2025-10-02. Review status: criteria provided, single submitter. Criteria: Invitae Variant Classification Sherloc (09022015). Collection method: clinical testing. Allele origin: germline.
Comment: This sequence change replaces arginine, which is basic and polar, with serine, which is neutral and polar, at codon 416 of the ALPK3 protein (p.Arg416Ser). This variant is not present in population databases (gnomAD no frequency). This variant has not been reported in the literature in individuals affected with ALPK3-related conditions. ClinVar contains an entry for this variant (Variation ID: 3004907). An algorithm developed to predict the effect of missense changes on protein structure and function (PolyPhen-2) suggests that this variant is likely to be disruptive. In summary, the available evidence is currently insufficient to determine the role of this variant in disease. Therefore, it has been classified as a Variant of Uncertain Significance.